The following is an entry in ClinVar:

ClinVar aggregate classification (germline): Likely pathogenic (1 of 4 stars; one submission).

Conditions:
Primary ciliary dyskinesia 5. Also called: CILIARY DYSKINESIA, PRIMARY, 5, WITHOUT SITUS INVERSUS. Identifiers: Orphanet 244, MedGen C1837615, MONDO:0012088, OMIM 608647.

Submission:

Royal Brompton Clinical Genetics And Genomics Laboratory, NHS South East Genomic Laboratory Hub
Classification: Likely pathogenic for Primary ciliary dyskinesia 5. Last evaluated: 2024-03-06. Review status: criteria provided, single submitter. Criteria: RBHT-CGGL ClinVar Assertion Criteria. Collection method: clinical testing. Allele origin: germline. Affected: yes. Observed: 1 variant allele.

NM_001270974.2(HYDIN):c.5620-311_5788+1198del

Gene: HYDIN (HYDIN axonemal central pair apparatus protein; minus strand). Cytogenetic location: 16q22.2.
Variant type: Deletion.
Coding change: c.5620-311_5788+1198del on transcript NM_001270974.2 (MANE Select); 311 bases into the intron before coding-DNA position 5620 through 1198 bases into the intron after coding-DNA position 5788, 1,678 bases deleted.
Molecular consequence: splice acceptor variant, splice donor variant.
Genome position (GRCh38, 1-based): chr16:70,963,530-70,965,207, 1,678 bases deleted. GRCh37 (hg19): chr16:70,997,440-70,999,117.
Identifiers: ClinVar variation 3027477 (VCV003027477.1), ClinGen allele CA2740093416.